The following is an entry in ClinVar:

ClinVar aggregate classification (germline): Likely pathogenic (1 of 4 stars; one submission).

Conditions:
Marfan Syndrome/Loeys-Dietz Syndrome/Familial Thoracic Aortic Aneurysms and Dissections. Identifiers: MedGen CN229799.

Submission:

Women's Health and Genetics/Laboratory Corporation of America, LabCorp
Classification: Likely pathogenic for Marfan Syndrome/Loeys-Dietz Syndrome/Familial Thoracic Aortic Aneurysms and Dissections. Last evaluated: 2018-05-29. Review status: criteria provided, single submitter. Criteria: LabCorp Variant Classification Summary - May 2015. Collection method: clinical testing. Allele origin: germline.
Comment: Variant summary: FBN1 c.4812_4813delinsCT (p.Leu1604_Glu1605delinsPhe*) results in a premature termination codon, predicted to cause a truncation of the encoded protein or absence of the protein due to nonsense mediated decay, which are commonly known mechanisms for disease. Truncations downstream of this position have been classified as pathogenic by our laboratory (eg. c.4930C>T (p.Arg1644X), c.6423delG (p.Gln2141fsX19), and c.6658C>T (p.Arg2220X)). The variant was absent in 246042 control chromosomes (gnomAD). To our knowledge, no occurrence of c.4812_4813delinsCT in individuals affected with Aortopathy and no experimental evidence demonstrating its impact on protein function have been reported. No clinical diagnostic laboratories have submitted clinical-significance assessments for this variant to ClinVar after 2014. Based on the evidence outlined above, the variant was classified as likely pathogenic.

NM_000138.4(FBN1):c.4812_4813delinsCT (p.Leu1604_Glu1605delinsPheTer)

Gene: FBN1 (fibrillin 1; minus strand). Cytogenetic location: 15q21.1.
Variant type: Indel.
Coding change: c.4812_4813delinsCT on transcript NM_000138.4; coding-DNA positions 4812 to 4813, GG replaced by CT.
Protein change: p.Leu1604_Glu1605delinsPheTer.
Genome position (GRCh38, 1-based): chr15:48,465,793-48,465,794, CC replaced by AG on the plus strand (GG replaced by CT on the coding strand, the reverse complement: FBN1 is on the minus strand). VCF-style: chr15-48465793-CC-AG. GRCh37 (hg19) VCF-style: chr15-48757990-CC-AG.
Other names: c.4812_4813delinsCT, p.Leu1604_Glu1605delinsPheTer (LRG_778t1).
Identifiers: ClinVar variation 633208 (VCV000633208.1), dbSNP rs1566903995, ClinGen allele CA913190360.